The following is an entry in ClinVar:

ClinVar aggregate classification (germline): Pathogenic (1 of 4 stars; one submission).

Conditions:
Hyperinsulinemic hypoglycemia, familial, 1 (HHF1). Also called: HYPERINSULINISM, FAMILIAL, WITH PANCREATIC NESIDIOBLASTOSIS; HYPOGLYCEMIA, HYPERINSULINEMIC, OF INFANCY; NESIDIOBLASTOSIS OF PANCREAS; Persistent Hyperinsulinemia Hypoglycemia of Infancy; Persistent hyperinsulinemic hypoglycemia of infancy. Identifiers: Orphanet 276575, Orphanet 276598, MedGen C2931832, MONDO:0009734, OMIM 256450.

Submission:

Myriad Genetics, Inc.
Classification: Pathogenic for Hyperinsulinemic hypoglycemia, familial, 1. Last evaluated: 2024-04-05. Review status: criteria provided, single submitter. Criteria: Myriad Autosomal Dominant, Autosomal Recessive and X-Linked Classification Criteria (2023). Collection method: clinical testing. Allele origin: unknown.
Comment: NM_000352.3(ABCC8):c.1644del1ins5(I550Cfs*73) is expected to be pathogenic in the context of familial hyperinsulinism, ABCC8-related. This variant is predicted to lead to an abnormal or absent protein product due to the creation of a premature termination codon in ABCC8, a gene where loss-of-function variants are known to be pathogenic. Please note: this variant was assessed in the context of healthy population screening.

NM_000352.6(ABCC8):c.1644delinsTGCAT (p.Ile550fs)

Gene: ABCC8 (ATP binding cassette subfamily C member 8; minus strand). Cytogenetic location: 11p15.1.
Variant type: Indel.
Coding change: c.1644delinsTGCAT on transcript NM_000352.6 (MANE Select); coding-DNA position 1644, G replaced by TGCAT.
Protein change: p.Ile550fs; shifts the reading frame from isoleucine 550.
Molecular consequence: frameshift variant. On other transcripts: non-coding transcript variant (1).
Genome position (GRCh38, 1-based): chr11:17,432,231, C replaced by ATGCA on the plus strand (G replaced by TGCAT on the coding strand, the reverse complement: ABCC8 is on the minus strand). VCF-style: chr11-17432231-C-ATGCA. GRCh37 (hg19) VCF-style: chr11-17453778-C-ATGCA.
Other names: c.1644delinsTGCAT, p.Ile550fs (NM_001287174.3, NM_001351295.2); c.1641delinsTGCAT, p.Ile549fs (NM_001351296.2, NM_001351297.2); short protein forms I549fs, I550fs.
Identifiers: ClinVar variation 5012897 (VCV005012897.1).